The following is an entry in ClinVar:

NM_000260.4(MYO7A):c.5581C>T (p.Arg1861Ter)

Gene: MYO7A (myosin VIIA; plus strand). Cytogenetic location: 11q13.5.
Variant type: single nucleotide variant.
Coding change: c.5581C>T on transcript NM_000260.4 (MANE Select); coding-DNA position 5581, C replaced by T.
Protein change: p.Arg1861Ter; replaces arginine 1861 with a stop codon.
Molecular consequence: nonsense.
Genome position (GRCh38, 1-based): chr11:77,205,562, C>T. VCF-style: chr11-77205562-C-T. GRCh37 (hg19) VCF-style: chr11-76916607-C-T.
Other names: c.5467C>T, p.Arg1823Ter (NM_001127180.2); c.5434C>T, p.Arg1812Ter (NM_001369365.1); short protein forms R1861*, R1812*, R1823*.
Identifiers: ClinVar variation 557045 (VCV000557045.18), dbSNP rs878864531, ClinGen allele CA224853945.
Genomic context (GRCh38, chr11:77,205,562, plus strand): 5'-ACGGGCCTTTTCCCACCCAGCAACATCCTCCTGCCCCACGTGCAGCGCTTCCTGCAGTCC[C>T]GAAAGCACTGCCCACTCGCCATCGACTGCCTGCAACGGCTCCAGAAAGCCCTGAGGTACA-3'

ClinVar aggregate classification (germline): Pathogenic. Review status: criteria provided, multiple submitters, no conflicts (2 of 4 stars). 8 submissions from 8 submitters: Pathogenic (4). 4 of the submissions do not count toward it. Last evaluated 2025-11-10.

Conditions:
Usher syndrome type 1 (USH1). Also called: RETINITIS PIGMENTOSA AND CONGENITAL DEAFNESS. Identifiers: Orphanet 231169, Orphanet 886, MedGen C1568247, MONDO:0010168, OMIM 276900.
Autosomal recessive MYO7A-related disorders.
Autosomal recessive nonsyndromic hearing loss 2. Also called: DEAFNESS, AUTOSOMAL RECESSIVE 2; NEUROSENSORY NONSYNDROMIC RECESSIVE DEAFNESS 2. Identifiers: Orphanet 90636, MedGen C1838701, MONDO:0010807, OMIM 600060.
Autosomal dominant nonsyndromic hearing loss 11. Identifiers: Orphanet 90635, MedGen C1832475, MONDO:0011032, OMIM 601317.
Usher syndrome type 1B (USH1B). Also called: Usher syndrome type IB. Identifiers: MedGen C1848638, MONDO:0700087.

Allele frequency attached by ClinVar (database versions not stated): gnomAD exomes 0.00001; TOPMed 0.00001.
gnomAD v4.1: 12 of 1,612,892 alleles (0.00074%); highest among the groups gnomAD compares: South Asian, 0.0011%; no homozygotes.

Submissions (8):

Natera, Inc.
Classification: Pathogenic for Usher syndrome type 1B. Last evaluated: 2025-11-10. Review status: criteria provided, single submitter. Criteria: Natera Variant Classification Schema (03/2026). Collection method: clinical testing. Allele origin: germline.
Comment: The c.5581C>T variant in MYO7A is a nonsense variant predicted to introduce a stop codon at amino acid 1861. This variant is expected to result in nonsense mediated decay, truncation, or a dysfunctional protein product. This variant is rare in the general population with a frequency below the threshold expected for the associated phenotype(s). This variant has been observed in one or more individuals affected with the associated recessive disease, as either homozygous or compound heterozygous with a second variant (PMID: 27460420). Given the available evidence, this variant is classified as Pathogenic.

Variantyx, Inc.
Classification: Pathogenic for Autosomal recessive MYO7A-related disorders. Last evaluated: 2025-08-20. Review status: criteria provided, single submitter. Criteria: Variantyx Assertion Criteria 2022. Collection method: clinical testing. Allele origin: germline. Inheritance: Autosomal recessive inheritance. Affected: yes.
Comment: This is a nonsense variant in the MYO7A gene (OMIM: 276903). Pathogenic variants in this gene have been associated with autosomal recessive MYO7A-related disorders. This variant introduces a premature termination codon in exon 40 out of 49 and is expected to result in loss of function, which is a known disease mechanism for MYO7A in these disorders (PMID: 8900236, 25404053) (PVS1). This variant has been identified in the homozygous or compound heterozygous state in many affected individuals reported in the published literature (PMID: 9382091, 23451239) (PM3). It has a 0.0012% maximum allele frequency in non-founder control populations (PM2). Based on the current evidence, this variant is classified as pathogenic for autosomal recessive MYO7A-related disorders.

Fulgent Genetics
Classification: Pathogenic for Usher syndrome type 1; Autosomal recessive nonsyndromic hearing loss 2; Autosomal dominant nonsyndromic hearing loss 11. Last evaluated: 2024-06-06. Review status: criteria provided, single submitter. Criteria: ACMG Guidelines, 2015. Collection method: clinical testing. Allele origin: germline.

Labcorp Genetics (formerly Invitae), Labcorp
Classification: Pathogenic. Last evaluated: 2023-08-11. Review status: criteria provided, single submitter. Criteria: Invitae Variant Classification Sherloc (09022015). Collection method: clinical testing. Allele origin: germline.
Comment: For these reasons, this variant has been classified as Pathogenic. ClinVar contains an entry for this variant (Variation ID: 557045). This premature translational stop signal has been observed in individuals with Usher syndrome (PMID: 9382091, 23451239). This variant is present in population databases (no rsID available, gnomAD 0.003%). This sequence change creates a premature translational stop signal (p.Arg1861*) in the MYO7A gene. It is expected to result in an absent or disrupted protein product. Loss-of-function variants in MYO7A are known to be pathogenic (PMID: 8900236, 25404053).

Sharon lab, Hadassah-Hebrew University Medical Center
Classification: Pathogenic for Usher syndrome type 1. Last evaluated: 2019-06-23. Review status: no assertion criteria provided. Collection method: research. Allele origin: inherited. Affected: yes. Not counted in ClinVar's aggregate classification.

Counsyl
Classification: Pathogenic for Usher syndrome type 1; Autosomal recessive nonsyndromic hearing loss 2. Last evaluated: 2018-03-06. Review status: no assertion criteria provided. Collection method: clinical testing. Allele origin: unknown. Not counted in ClinVar's aggregate classification.

Clinical Genetics, Academic Medical Center
Classification: Pathogenic. Review status: no assertion criteria provided. Collection method: clinical testing. Allele origin: germline. Affected: yes. Study: VKGL Data-share Consensus. Not counted in ClinVar's aggregate classification.

Joint Genome Diagnostic Labs from Nijmegen and Maastricht, Radboudumc and MUMC+
Classification: Pathogenic. Review status: no assertion criteria provided. Collection method: clinical testing. Allele origin: germline. Affected: yes. Study: VKGL Data-share Consensus. Not counted in ClinVar's aggregate classification.

Literature cited by the submitters: PubMed 27460420 (cited by Natera, Inc. and Counsyl); PubMed 8900236 (cited by Variantyx, Inc. and Labcorp Genetics (formerly Invitae), Labcorp); PubMed 25404053 (cited by Variantyx, Inc. and Labcorp Genetics (formerly Invitae), Labcorp); PubMed 9382091 (cited by Variantyx, Inc. and Labcorp Genetics (formerly Invitae), Labcorp); PubMed 23451239 (cited by Variantyx, Inc. and Labcorp Genetics (formerly Invitae), Labcorp).